The following is an entry in ClinVar:

NM_024675.4(PALB2):c.3438G>T (p.Gln1146His)

Gene: PALB2 (partner and localizer of BRCA2; minus strand). Cytogenetic location: 16p12.2.
Variant type: single nucleotide variant.
Coding change: c.3438G>T on transcript NM_024675.4 (MANE Select); coding-DNA position 3438, G replaced by T.
Protein change: p.Gln1146His; replaces glutamine 1146 with histidine.
Molecular consequence: missense variant. On other transcripts: 3 prime UTR variant (5).
Genome position (GRCh38, 1-based): chr16:23,603,582, C>A on the plus strand (G>T on the coding strand, the complement: PALB2 is on the minus strand). VCF-style: chr16-23603582-C-A. GRCh37 (hg19) VCF-style: chr16-23614903-C-A.
Other names: c.2553G>T, p.Gln851His (NM_001407306.1, NM_001407304.1, NM_001407305.1); c.2391G>T, p.Gln797His (NM_001407307.1); c.2316G>T, p.Gln772His (NM_001407308.1, NM_001407309.1); c.3378G>T, p.Gln1126His (NM_001407296.1); c.3366G>T, p.Gln1122His (NM_001407297.1); c.3276G>T, p.Gln1092His (NM_001407298.1); c.3201G>T, p.Gln1067His (NM_001407299.1); c.3159G>T, p.Gln1053His (NM_001407300.1); and 3 more; short protein forms Q1126H, Q1146H, Q1067H, Q1122H, Q772H, Q324H, Q550H, Q797H.
Identifiers: ClinVar variation 2850420 (VCV002850420.3), dbSNP rs771827859, ClinGen allele CA7963337.
Genomic context (GRCh38, chr16:23,603,582, plus strand): 5'-ACCCGACCATTTCACAAAAGACCAATGTTGGTCAGAGACAGGTGGGAGGAGGGCAGTACA[C>A]TGACCGAGAAGTAAGTCCCAAATGGCAATTGTTCCAGAAGTCAAGATTGCTGCTGCACAG-3'
Protein context (NP_078951.2, residues 1136-1156): TIAIWDLLLG[Gln1146His]CTALLPPVSD

ClinVar aggregate classification (germline): Conflicting classifications of pathogenicity. Review status: criteria provided, conflicting classifications (1 of 4 stars). 2 submissions from 2 submitters: Uncertain significance (1); Likely benign (1). Last evaluated 2025-10-04.

Conditions:
Hereditary cancer-predisposing syndrome. Also called: Neoplastic Syndromes, Hereditary; Hereditary Cancer Syndrome; Tumor predisposition; Hereditary neoplastic syndrome. Identifiers: Orphanet 140162, MedGen C0027672, MeSH D009386, MONDO:0015356.
Familial cancer of breast. Also called: BREAST CANCER, FAMILIAL; hereditary breast carcinoma; Hereditary breast cancer. Identifiers: Orphanet 227535, MedGen C0346153, MONDO:0016419, OMIM 114480. Disease mechanism: loss of function.

Allele frequency attached by ClinVar (database versions not stated): ExAC 0.00002.

Submissions (2):

Labcorp Genetics (formerly Invitae), Labcorp
Classification: Uncertain significance for Familial cancer of breast. Last evaluated: 2025-10-04. Review status: criteria provided, single submitter. Criteria: Invitae Variant Classification Sherloc (09022015). Collection method: clinical testing. Allele origin: germline.
Comment: This sequence change replaces glutamine, which is neutral and polar, with histidine, which is basic and polar, at codon 1146 of the PALB2 protein (p.Gln1146His). This variant is not present in population databases (gnomAD no frequency). This variant has not been reported in the literature in individuals affected with PALB2-related conditions. ClinVar contains an entry for this variant (Variation ID: 2850420). An algorithm developed to predict the effect of missense changes on protein structure and function outputs the following: PolyPhen-2: "Benign". The histidine amino acid residue is found in multiple mammalian species, which suggests that this missense change does not adversely affect protein function. In summary, the available evidence is currently insufficient to determine the role of this variant in disease. Therefore, it has been classified as a Variant of Uncertain Significance.

Ambry Genetics
Classification: Likely benign for Hereditary cancer-predisposing syndrome. Last evaluated: 2025-06-24. Review status: criteria provided, single submitter. Criteria: Ambry Variant Classification Scheme 2023. Collection method: clinical testing. Allele origin: germline.